The following is an entry in ClinVar:

ClinVar aggregate classification (germline): Likely benign. Review status: criteria provided, multiple submitters, no conflicts (2 of 4 stars). 2 submissions from 2 submitters: Likely benign (2). Last evaluated 2025-03-27.

Conditions:
PROM1-related disorder. Also called: PROM1-related condition; PROM1-related disorders.

gnomAD v4.1: 133 of 152,250 alleles (0.087%); highest among the groups gnomAD compares: African/African-American, 0.3%; no homozygotes.

Submissions (2):

PreventionGenetics, part of Exact Sciences
Classification: Likely benign for PROM1-related condition. Last evaluated: 2025-03-27. Review status: criteria provided, single submitter. Criteria: ACMG Guidelines, 2015. Collection method: clinical testing. Allele origin: germline.
Comment: This variant is classified as likely benign based on ACMG/AMP sequence variant interpretation guidelines (Richards et al. 2015 PMID: 25741868, with internal and published modifications).

Blueprint Genetics
Classification: Likely benign. Last evaluated: 2024-10-24. Review status: criteria provided, single submitter. Criteria: ACMG Guidelines, 2015. Collection method: clinical testing. Allele origin: germline.

NM_006017.3(PROM1):c.2077-513C>G

Gene: PROM1 (prominin 1; minus strand). Cytogenetic location: 4p15.32.
Variant type: single nucleotide variant.
Coding change: c.2077-513C>G on transcript NM_006017.3 (MANE Select); 513 bases into the intron before coding-DNA position 2077, C replaced by G.
Molecular consequence: intron variant.
Genome position (GRCh38, 1-based): chr4:15,988,229, G>C on the plus strand (C>G on the coding strand, the complement: PROM1 is on the minus strand). VCF-style: chr4-15988229-G-C. GRCh37 (hg19) VCF-style: chr4-15989852-G-C.
Other names: c.2077-513C>G (NM_006017.2, NM_001145850.2, NM_001145849.2); c.1711-513C>G (NM_001441179.1); c.1966-513C>G (NM_001441174.1); c.1945-513C>G (NM_001441177.1); c.1885-513C>G (NM_001441178.1); c.1957-513C>G (NM_001441176.1); c.2050-513C>G (NM_001441173.1, NM_001441175.1, NM_001145848.2 and 6 more transcripts).
Identifiers: ClinVar variation 4966641 (VCV004966641.2).